The following is an entry in ClinVar:

NM_001379180.1(ESRRB):c.1007C>T (p.Ala336Val)

Gene: ESRRB (estrogen related receptor beta; plus strand). Cytogenetic location: 14q24.3.
Variant type: single nucleotide variant.
Coding change: c.1007C>T on transcript NM_001379180.1 (MANE Select); coding-DNA position 1007, C replaced by T.
Protein change: p.Ala336Val; replaces alanine 336 with valine.
Molecular consequence: missense variant.
Genome position (GRCh38, 1-based): chr14:76,491,603, C>T. VCF-style: chr14-76491603-C-T. GRCh37 (hg19) VCF-style: chr14-76957946-C-T.
Other names: c.944C>T, p.Ala315Val (NM_004452.4); short protein forms A315V, A336V.
Identifiers: ClinVar variation 1518357 (VCV001518357.9), dbSNP rs764181534, ClinGen allele CA7281741.
Genomic context (GRCh38, chr14:76,491,603, plus strand): 5'-ATGACGACAAGCTGGTGTACGCTGAGGACTACATCATGGATGAGGAGCACTCCCGCCTCG[C>T]GGGGCTGCTGGAGCTCTACCGGGCCATCCTGCAGCTGGTACGCAGGTACAAGAAGCTCAA-3'
Protein context (NP_001366109.1, residues 326-346): YIMDEEHSRL[Ala336Val]GLLELYRAIL

ClinVar aggregate classification (germline): Uncertain significance (1 of 4 stars; one submission).

Allele frequency attached by ClinVar (database versions not stated): TOPMed 0.00001; ExAC 0.00002.
gnomAD v4.1: 17 of 1,586,650 alleles (0.0011%); highest among the groups gnomAD compares: East Asian, 0.0045%; no homozygotes.

Submission:

Labcorp Genetics (formerly Invitae), Labcorp
Classification: Uncertain significance. Last evaluated: 2022-06-27. Review status: criteria provided, single submitter. Criteria: Invitae Variant Classification Sherloc (09022015). Collection method: clinical testing. Allele origin: germline.
Comment: In summary, the available evidence is currently insufficient to determine the role of this variant in disease. Therefore, it has been classified as a Variant of Uncertain Significance. Algorithms developed to predict the effect of missense changes on protein structure and function output the following: SIFT: "Tolerated"; PolyPhen-2: "Benign"; Align-GVGD: "Class C0". The valine amino acid residue is found in multiple mammalian species, which suggests that this missense change does not adversely affect protein function. This variant has not been reported in the literature in individuals affected with ESRRB-related conditions. The frequency data for this variant in the population databases is considered unreliable, as metrics indicate poor data quality at this position in the gnomAD database. This sequence change replaces alanine, which is neutral and non-polar, with valine, which is neutral and non-polar, at codon 315 of the ESRRB protein (p.Ala315Val).